The following is an entry in ClinVar:

ClinVar aggregate classification (germline): Uncertain significance (1 of 4 stars; one submission).

Conditions:
Dilated cardiomyopathy 1D. Identifiers: Orphanet 154, Orphanet 54260, MedGen C1832243, MONDO:0011095, OMIM 601494.
Cardiomyopathy, familial restrictive, 3. Identifiers: Orphanet 75249, MedGen C2676271, MONDO:0012900, OMIM 612422.
Hypertrophic cardiomyopathy 2. Also called: TNNT2-Related Familial Hypertrophic Cardiomyopathy. Identifiers: MedGen C1861864, MONDO:0007266, OMIM 115195.

Submission:

Labcorp Genetics (formerly Invitae), Labcorp
Classification: Uncertain significance for Cardiomyopathy, familial restrictive, 3; Hypertrophic cardiomyopathy 2; Dilated cardiomyopathy 1D. Last evaluated: 2023-09-10. Review status: criteria provided, single submitter. Criteria: Invitae Variant Classification Sherloc (09022015). Collection method: clinical testing. Allele origin: germline.
Comment: In summary, the available evidence is currently insufficient to determine the role of this variant in disease. Therefore, it has been classified as a Variant of Uncertain Significance. Advanced modeling of protein sequence and biophysical properties (such as structural, functional, and spatial information, amino acid conservation, physicochemical variation, residue mobility, and thermodynamic stability) performed at Invitae indicates that this missense variant is expected to disrupt TNNT2 protein function. This variant has not been reported in the literature in individuals affected with TNNT2-related conditions. This variant is not present in population databases (gnomAD no frequency). This sequence change replaces lysine, which is basic and polar, with asparagine, which is neutral and polar, at codon 78 of the TNNT2 protein (p.Lys78Asn).

NM_001276345.2(TNNT2):c.264G>C (p.Lys88Asn)

Gene: TNNT2 (troponin T2, cardiac type; minus strand). Cytogenetic location: 1q32.1.
Variant type: single nucleotide variant.
Coding change: c.264G>C on transcript NM_001276345.2 (MANE Select); coding-DNA position 264, G replaced by C.
Protein change: p.Lys88Asn; replaces lysine 88 with asparagine.
Molecular consequence: missense variant.
Genome position (GRCh38, 1-based): chr1:201,365,640, C>G on the plus strand (G>C on the coding strand, the complement: TNNT2 is on the minus strand). VCF-style: chr1-201365640-C-G. GRCh37 (hg19) VCF-style: chr1-201334768-C-G.
Other names: c.264G>C, p.Lys88Asn (NM_000364.4, NM_001406723.1); c.234G>C, p.Lys78Asn (NM_001001430.3, NM_001001431.3, NM_001276347.2 and 3 more transcripts); c.219G>C, p.Lys73Asn (NM_001001432.3, NM_001406728.1); c.261G>C, p.Lys87Asn (NM_001276346.2); c.231G>C, p.Lys77Asn (NM_001406725.1); short protein forms K87N, K88N, K73N, K77N, K78N.
Identifiers: ClinVar variation 2951810 (VCV002951810.3), dbSNP rs769993507, ClinGen allele CA344206688.